The following is an entry in ClinVar:

ClinVar aggregate classification (germline): Uncertain significance. Review status: criteria provided, multiple submitters, no conflicts (2 of 4 stars). 2 submissions from 2 submitters: Uncertain significance (2). Last evaluated 2025-03-03.

Allele frequency attached by ClinVar (database versions not stated): gnomAD exomes below 0.00001.
gnomAD v4.1: 1 of 1,614,010 alleles (0.000062%); highest among the groups gnomAD compares: Non-Finnish European, 0.000085%; no homozygotes.

Submissions (2):

Labcorp Genetics (formerly Invitae), Labcorp
Classification: Uncertain significance. Last evaluated: 2025-03-03. Review status: criteria provided, single submitter. Criteria: Invitae Variant Classification Sherloc (09022015). Collection method: clinical testing. Allele origin: germline.
Comment: This sequence change creates a premature translational stop signal (p.Arg273*) in the MTOR gene. It is expected to result in an absent or disrupted protein product. However, the current clinical and genetic evidence is not sufficient to establish whether loss-of-function variants in MTOR cause disease. This variant is not present in population databases (gnomAD no frequency). This variant has not been reported in the literature in individuals affected with MTOR-related conditions. ClinVar contains an entry for this variant (Variation ID: 1378531). In summary, the available evidence is currently insufficient to determine the role of this variant in disease. Therefore, it has been classified as a Variant of Uncertain Significance.

GeneDx
Classification: Uncertain significance. Last evaluated: 2024-03-06. Review status: criteria provided, single submitter. Criteria: GeneDx Variant Classification Process June 2021. Collection method: clinical testing. Allele origin: germline. Affected: yes.
Comment: Not observed at significant frequency in large population cohorts (gnomAD); Has not been previously published as pathogenic or benign to our knowledge; Nonsense variant predicted to result in protein truncation or nonsense mediated decay in a gene for which loss-of-function is not a known mechanism of disease

NM_004958.4(MTOR):c.817C>T (p.Arg273Ter)

Gene: MTOR (mechanistic target of rapamycin kinase; minus strand). Cytogenetic location: 1p36.22.
Variant type: single nucleotide variant.
Coding change: c.817C>T on transcript NM_004958.4 (MANE Select); coding-DNA position 817, C replaced by T.
Protein change: p.Arg273Ter; replaces arginine 273 with a stop codon.
Molecular consequence: nonsense. On other transcripts: 5 prime UTR variant (1).
Genome position (GRCh38, 1-based): chr1:11,253,862, G>A on the plus strand (C>T on the coding strand, the complement: MTOR is on the minus strand). VCF-style: chr1-11253862-G-A. GRCh37 (hg19) VCF-style: chr1-11313919-G-A.
Other names: c.817C>T (NM_004958.3); c.817C>T, p.Arg273Ter (NM_001386500.1); c.-323C>T (NM_001386501.1); short protein forms R273*.
Identifiers: ClinVar variation 1378531 (VCV001378531.7), dbSNP rs2100966495, ClinGen allele CA338401309.